The following is an entry in ClinVar:

NM_004329.3(BMPR1A):c.1473+7G>T

Gene: BMPR1A (bone morphogenetic protein receptor type 1A; plus strand). Cytogenetic location: 10q23.2.
Variant type: single nucleotide variant.
Coding change: c.1473+7G>T on transcript NM_004329.3 (MANE Select); 7 bases into the intron after coding-DNA position 1473, G replaced by T.
Molecular consequence: intron variant.
Genome position (GRCh38, 1-based): chr10:86,923,513, G>T. VCF-style: chr10-86923513-G-T. GRCh37 (hg19) VCF-style: chr10-88683270-G-T.
Identifiers: ClinVar variation 1596859 (VCV001596859.9), dbSNP rs2133622731, ClinGen allele CA2573145700.

ClinVar aggregate classification (germline): Likely benign. Review status: criteria provided, multiple submitters, no conflicts (2 of 4 stars). 2 submissions from 2 submitters: Likely benign (2). Last evaluated 2025-06-01.

Conditions:
Juvenile polyposis syndrome (JPS). Identifiers: Orphanet 2929, MedGen C0345893, MONDO:0017380, OMIM 174900.

Allele frequency attached by ClinVar (database versions not stated): gnomAD exomes below 0.00001.
gnomAD v4.1: 1 of 1,614,160 alleles (0.000062%); highest among the groups gnomAD compares: Non-Finnish European, 0.000085%; no homozygotes.

Submissions (2):

Labcorp Genetics (formerly Invitae), Labcorp
Classification: Likely benign for Juvenile polyposis syndrome. Last evaluated: 2025-06-01. Review status: criteria provided, single submitter. Criteria: Invitae Variant Classification Sherloc (09022015). Collection method: clinical testing. Allele origin: germline.

Myriad Genetics, Inc.
Classification: Likely benign for Juvenile polyposis syndrome. Last evaluated: 2024-08-08. Review status: criteria provided, single submitter. Criteria: Myriad Autosomal Dominant, Autosomal Recessive and X-Linked Classification Criteria (2023). Collection method: clinical testing. Allele origin: unknown.
Comment: This variant is considered likely benign. This variant is intronic and is not expected to impact mRNA splicing.